The following is an entry in ClinVar:

NM_022168.4(IFIH1):c.2465G>A (p.Arg822Gln)

Gene: IFIH1 (interferon induced with helicase C domain 1; minus strand). Cytogenetic location: 2q24.2.
Variant type: single nucleotide variant.
Coding change: c.2465G>A on transcript NM_022168.4 (MANE Select); coding-DNA position 2465, G replaced by A.
Protein change: p.Arg822Gln; replaces arginine 822 with glutamine.
Molecular consequence: missense variant.
Genome position (GRCh38, 1-based): chr2:162,272,377, C>T on the plus strand (G>A on the coding strand, the complement: IFIH1 is on the minus strand). VCF-style: chr2-162272377-C-T. GRCh37 (hg19) VCF-style: chr2-163128887-C-T.
Other names: IFIH1, ARG822GLN (rs376048533); c.2465G>A, p.Arg822Gln (LRG_1235t1); c.2465G>A (NM_022168.2); short protein forms R822Q.
Identifiers: ClinVar variation 189338 (VCV000189338.77), dbSNP rs376048533, ClinGen allele CA199234.

ClinVar aggregate classification (germline): Pathogenic/Likely pathogenic. Review status: criteria provided, multiple submitters, no conflicts (2 of 4 stars). 20 submissions from 19 submitters: Pathogenic (13); Likely pathogenic (3). 4 of the submissions do not count toward it. Last evaluated 2026-03-05.

Conditions:
Kidney failure. Identifiers: MedGen C0035078, MONDO:0001106.
IFIH1-related disorder. Also called: IFIH1-related condition.
Autosomal dominant IFIH1-related disorders.
Singleton-Merten syndrome 1 (SGMRT1). Also called: Widened medullary cavities of bone, aortic calcification, abnormal dentition, and muscular weakness; Syndrome of widened medullary cavities of the metacarpals and phalanges, aortic calcification and abnormal dentition. Identifiers: Orphanet 85191, MedGen C4225427, MONDO:0024535, OMIM 182250.
Aicardi-Goutieres syndrome 7 (AGS7). Identifiers: Orphanet 51, MedGen C3888244, MONDO:0014367, OMIM 615846.
Inborn genetic diseases. Identifiers: MedGen C0950123, MeSH D030342.
Incidental Discovery. Identifiers: MedGen C1135954.

Allele frequency attached by ClinVar (database versions not stated): TOPMed 0.00002; ExAC 0.00003; gnomAD exomes 0.00003; ESP Exome Variant Server 0.00008.
gnomAD v4.1: 14 of 1,611,990 alleles (0.00087%); highest among the groups gnomAD compares: Admixed American, 0.0017%; no homozygotes.

Submissions 1 to 15 of 20:

PreventionGenetics, part of Exact Sciences
Classification: Pathogenic for IFIH1-related condition. Last evaluated: 2026-03-05. Review status: criteria provided, single submitter. Criteria: ACMG Guidelines, 2015. Collection method: clinical testing. Allele origin: germline.
Comment: The IFIH1 c.2465G>A variant is predicted to result in the amino acid substitution p.Arg822Gln. This variant has been reported many times in individuals with autosomal dominant Singleton-Merten syndrome, in some cases segregating with disease in kindreds and in other cases arising de novo (see for examples: Rutsch et al. 2015. PubMed ID: 25620204; Table S9, Rice et al. 2016. PubMed ID: 27943079; Pettersson et al. 2017. PubMed ID: 28319323; Broser et al. 2022. PubMed ID: 35410415). This variant is present in 0.0053% of alleles in individuals of European (Non-Finnish) descent in gnomAD. This variant is interpreted as pathogenic.

Variantyx, Inc.
Classification: Pathogenic for Autosomal dominant IFIH1-related disorders. Last evaluated: 2025-12-01. Review status: criteria provided, single submitter. Criteria: Variantyx Assertion Criteria 2022. Collection method: clinical testing. Allele origin: de novo. Inheritance: Autosomal dominant inheritance. Affected: yes.
Comment: This is a nonsynonymous variant in the IFIH1 gene (OMIM: 606951). Pathogenic variants in this gene have been associated with autosomal dominant utosomal dominant IFIH1-related disorders. This variant likely occurred de novo in individuals from published literature; however, the possibility of parental germline mosaicism cannot be excluded (PMID: 28475458, 25620204, 35410415, 35754802) (PS2). This variant has been reported in at least 10 unrelated affected individuals (PMID: 31898846, 25620204, 28319323, 35410415) (PS4_Moderate), and it has been observed to segregate with disease in at least 7 individuals from 2 families (PMID: 25620204, 28319323) (PP1_Moderate). Functional studies have shown that this variant alters IFIH1 protein function (PMID: 25620204) (PS3_Moderate), and multiple computational algorithms predict a deleterious effect for this variant (REVEL score: 0.981) (PP3). This variant has a 0.0017% maximum allele frequency in non-founder control populations (PM2). Based on the current evidence, this variant is classified as pathogenic for autosomal dominant utosomal dominant IFIH1-related disorders. Inheritance from an unaffected parent or a parent with unknown affected status has been reported, consistent with incomplete penetrance (PMID: 24686847).

Labcorp Genetics (formerly Invitae), Labcorp
Classification: Pathogenic for Aicardi-Goutieres syndrome 7; Singleton-Merten syndrome 1. Last evaluated: 2025-11-03. Review status: criteria provided, single submitter. Criteria: Invitae Variant Classification Sherloc (09022015). Collection method: clinical testing. Allele origin: germline.
Comment: This sequence change replaces arginine, which is basic and polar, with glutamine, which is neutral and polar, at codon 822 of the IFIH1 protein (p.Arg822Gln). This variant is present in population databases (rs376048533, gnomAD 0.005%). This missense change has been observed in individuals with Singleton–Merten syndrome (PMID: 25620204, 28319323). It has also been observed to segregate with disease in related individuals. ClinVar contains an entry for this variant (Variation ID: 189338). Invitae Evidence Modeling incorporating data from in vitro experimental studies (internal data) indicates that this missense variant is not expected to disrupt IFIH1 function with a negative predictive value of 80%. Experimental studies have shown that this missense change affects IFIH1 function (PMID: 25620204). For these reasons, this variant has been classified as Pathogenic.

Clinical Genetics Laboratory, Skane University Hospital Lund
Classification: Pathogenic for Incidental Discovery. Last evaluated: 2025-04-24. Review status: criteria provided, single submitter. Criteria: ACMG Guidelines, 2015. Collection method: clinical testing. Allele origin: germline. Inheritance: Autosomal dominant inheritance.

Ambry Genetics
Classification: Pathogenic for Inborn genetic diseases. Last evaluated: 2025-02-13. Review status: criteria provided, single submitter. Criteria: Ambry Variant Classification Scheme 2023. Collection method: clinical testing. Allele origin: germline.
Comment: The c.2465G>A (p.R822Q) alteration is located in exon 13 (coding exon 13) of the IFIH1 gene. This alteration results from a G to A substitution at nucleotide position 2465, causing the arginine (R) at amino acid position 822 to be replaced by a glutamine (Q). Based on data from gnomAD, the A allele has an overall frequency of 0.003% (7/249178) total alleles studied. The highest observed frequency was 0.017% (1/6050) of Other alleles. This variant was identified in one or more individuals with features consistent with IFIH1-related interferonopathy (Rutsch, 2015; Pettersson, 2017) and segregated with disease in at least one family. This variant was also determined to be de novo in at least one individual with features consistent with IFIH1-related interferonopathy (Rutsch, 2015; Buers, 2017; Riou, 2022; Broser, 2022). This amino acid position is highly conserved in available vertebrate species. In multiple assays testing IFIH1 function, this variant showed functionally abnormal results (Rutsch, 2015; Emralino, 2022). This alteration is predicted to be deleterious by in silico analysis. Based on the available evidence, this alteration is classified as pathogenic.

Blueprint Genetics
Classification: Pathogenic for IFIH1-related disorders. Last evaluated: 2024-09-17. Review status: criteria provided, single submitter. Criteria: ACMG Guidelines, 2015. Collection method: clinical testing. Allele origin: germline. Affected: yes. Observed: 5 variant alleles.

CeGaT Center for Human Genetics Tuebingen
Classification: Pathogenic. Last evaluated: 2024-06-01. Review status: criteria provided, single submitter. Criteria: CeGaT Center For Human Genetics Tuebingen Variant Classification Criteria Version 2. Collection method: clinical testing. Allele origin: germline. Affected: yes. Observed: 5 variant alleles.
Comment: IFIH1: PP1:Strong, PS2, PS4:Moderate, PS3:Supporting

Institute of Human Genetics, Clinical Exome/Genome Diagnostics Group, University Hospital Bonn
Classification: Likely pathogenic for Singleton-Merten syndrome 1; Aicardi-Goutieres syndrome 7. Last evaluated: 2024-02-28. Review status: criteria provided, single submitter. Criteria: ACMG Guidelines, 2015. Collection method: clinical testing. Allele origin: paternal. Affected: yes.

Molecular Medicine, University of Pavia
Classification: Likely pathogenic for Singleton-Merten syndrome 1. Last evaluated: 2023-07-28. Review status: criteria provided, single submitter. Criteria: ACMG Guidelines, 2015. Collection method: research. Allele origin: paternal. Affected: yes. Observed: 1 variant allele.

Institute for Clinical Genetics, University Hospital TU Dresden, University Hospital TU Dresden
Classification: Likely pathogenic. Last evaluated: 2022-11-18. Review status: criteria provided, single submitter. Criteria: ACMG Guidelines, 2015. Collection method: clinical testing. Allele origin: germline.
Comment: PP3, PP2, PM2_SUP, PS3

GeneDx
Classification: Pathogenic. Last evaluated: 2022-09-13. Review status: criteria provided, single submitter. Criteria: GeneDx Variant Classification Process June 2021. Collection method: clinical testing. Allele origin: germline. Affected: yes.
Comment: Published functional studies demonstrate the R822Q variant is gain-of-function with increased interferon beta expression (Rutsch et al., 2015); In silico analysis supports that this missense variant has a deleterious effect on protein structure/function; This variant is associated with the following publications: (PMID: 25620204, 26284909, 28475458, 28319323, 31898846, 34426522, 31589614)

AURAGEN, Plan France Médecine Génomique
Classification: Pathogenic for Kidney failure. Last evaluated: 2021-12-15. Review status: criteria provided, single submitter. Criteria: PFMG2025 (Lancet Reg Health Eur. 2025). Collection method: clinical testing. Allele origin: germline. Affected: yes.

Revvity Omics, Revvity
Classification: Pathogenic. Last evaluated: 2021-11-04. Review status: criteria provided, single submitter. Criteria: ACMG Guidelines, 2015. Collection method: clinical testing. Allele origin: germline.

Institute of Medical Genetics and Applied Genomics, University Hospital Tübingen
Classification: Pathogenic. Last evaluated: 2021-09-15. Review status: criteria provided, single submitter. Criteria: ACMG Guidelines, 2015. Collection method: clinical testing. Allele origin: germline. Inheritance: Autosomal dominant inheritance. Affected: yes.

Laboratory of Medical Genetics, National & Kapodistrian University of Athens
Classification: Pathogenic for Aicardi-Goutieres syndrome 7. Last evaluated: 2018-10-02. Review status: criteria provided, single submitter. Criteria: ACMG Guidelines, 2015. Collection method: clinical testing. Allele origin: germline. Affected: yes.
Comment: PS1, PS3, PP1, PP3, PP5